The following is an entry in ClinVar:

NM_001197104.2(KMT2A):c.8995C>G (p.Gln2999Glu)

Gene: KMT2A (lysine methyltransferase 2A; plus strand). Cytogenetic location: 11q23.3.
Variant type: single nucleotide variant.
Coding change: c.8995C>G on transcript NM_001197104.2 (MANE Select); coding-DNA position 8995, C replaced by G.
Protein change: p.Gln2999Glu; replaces glutamine 2999 with glutamic acid.
Molecular consequence: missense variant.
Genome position (GRCh38, 1-based): chr11:118,504,887, C>G. VCF-style: chr11-118504887-C-G. GRCh37 (hg19) VCF-style: chr11-118375602-C-G.
Other names: c.9085C>G, p.Gln3029Glu (NM_001412597.1); c.8986C>G, p.Gln2996Glu (NM_005933.4); short protein forms Q2999E, Q2996E, Q3029E.
Identifiers: ClinVar variation 1913959 (VCV001913959.5), dbSNP rs2497014723, ClinGen allele CA382817591.

ClinVar aggregate classification (germline): Uncertain significance (1 of 4 stars; one submission).

Submission:

Labcorp Genetics (formerly Invitae), Labcorp
Classification: Uncertain significance. Last evaluated: 2022-01-02. Review status: criteria provided, single submitter. Criteria: Invitae Variant Classification Sherloc (09022015). Collection method: clinical testing. Allele origin: germline.
Comment: In summary, the available evidence is currently insufficient to determine the role of this variant in disease. Therefore, it has been classified as a Variant of Uncertain Significance. This sequence change replaces glutamine, which is neutral and polar, with glutamic acid, which is acidic and polar, at codon 2999 of the KMT2A protein (p.Gln2999Glu). This variant is not present in population databases (gnomAD no frequency). This variant has not been reported in the literature in individuals affected with KMT2A-related conditions. Advanced modeling of protein sequence and biophysical properties (such as structural, functional, and spatial information, amino acid conservation, physicochemical variation, residue mobility, and thermodynamic stability) performed at Invitae indicates that this missense variant is not expected to disrupt KMT2A protein function.